The following is an entry in ClinVar:

NM_000287.4(PEX6):c.2924G>A (p.Arg975His)

Gene: PEX6 (peroxisomal biogenesis factor 6; minus strand). Cytogenetic location: 6p21.1.
Variant type: single nucleotide variant.
Coding change: c.2924G>A on transcript NM_000287.4 (MANE Select); coding-DNA position 2924, G replaced by A.
Protein change: p.Arg975His; replaces arginine 975 with histidine.
Molecular consequence: missense variant. On other transcripts: non-coding transcript variant (1).
Genome position (GRCh38, 1-based): chr6:42,964,354, C>T on the plus strand (G>A on the coding strand, the complement: PEX6 is on the minus strand). VCF-style: chr6-42964354-C-T. GRCh37 (hg19) VCF-style: chr6-42932092-C-T.
Other names: c.2660G>A, p.Arg887His (NM_001316313.2); short protein forms R887H, R975H.
Identifiers: ClinVar variation 3350652 (VCV003350652.1).

ClinVar aggregate classification (germline): Uncertain significance (0 of 4 stars; one submission).

Conditions:
PEX6-related disorder. Also called: PEX6-related condition; PEX6-related disorders.

gnomAD v4.1: 17 of 1,613,776 alleles (0.0011%); highest among the groups gnomAD compares: East Asian, 0.0022%; no homozygotes.

Submission:

PreventionGenetics, part of Exact Sciences
Classification: Uncertain significance for PEX6-related condition. Last evaluated: 2024-05-28. Review status: no assertion criteria provided. Collection method: clinical testing. Allele origin: germline.
Comment: The PEX6 c.2924G>A variant is predicted to result in the amino acid substitution p.Arg975His. To our knowledge, this variant has not been reported in the literature. This variant is reported in 0.0055% of alleles in individuals of East Asian descent in gnomAD. At this time, the clinical significance of this variant is uncertain due to the absence of conclusive functional and genetic evidence.